The following is an entry in ClinVar:

ClinVar aggregate classification (germline): Pathogenic (1 of 4 stars; one submission).

Conditions:
Familial thoracic aortic aneurysm and aortic dissection (TAAD). Also called: Thoracic aortic aneurysms and dissections. Identifiers: Orphanet 91387, MedGen C4707243, MONDO:0019625.
Marfan syndrome (MFS). Also called: FBN1-Related Marfan Syndrome; Marfan's syndrome; MARFAN SYNDROME, TYPE I; Marfan syndrome type 1; Marfan syndrome, classic. Identifiers: Orphanet 284963, Orphanet 558, MedGen C0024796, MONDO:0007947, OMIM 154700.

Submission:

Labcorp Genetics (formerly Invitae), Labcorp
Classification: Pathogenic for Marfan syndrome; Familial thoracic aortic aneurysm and aortic dissection. Last evaluated: 2021-03-05. Review status: criteria provided, single submitter. Criteria: Invitae Variant Classification Sherloc (09022015). Collection method: clinical testing. Allele origin: germline.
Comment: This variant has been observed in individual(s) with FBN1-related conditions (Invitae). ClinVar contains an entry for this variant (Variation ID: 855960). This variant is not present in population databases (ExAC no frequency). This sequence change replaces cysteine with arginine at codon 1129 of the FBN1 protein (p.Cys1129Arg). The cysteine residue is highly conserved and there is a large physicochemical difference between cysteine and arginine. Advanced modeling of protein sequence and biophysical properties (such as structural, functional, and spatial information, amino acid conservation, physicochemical variation, residue mobility, and thermodynamic stability) performed at Invitae indicates that this missense variant is expected to disrupt FBN1 protein function. For these reasons, this variant has been classified as Pathogenic. This variant disrupts the p.Cys1129 amino acid residue in FBN1. Other variant(s) that disrupt this residue have been observed in individuals with FBN1-related conditions (PMID: 31098894, 10425041), which suggests that this may be a clinically significant amino acid residue. This variant affects a cysteine residue in the EGF-like, TGFBP or hybrid motif domains of FBN1. Cysteine residues are believed to be involved in intramolecular disulfide bridges and have been shown to be important for FBN1 protein structure (PMID: 16905551, 19349279). In addition, missense substitutions affecting cysteine residues within these domains are significantly overrepresented among patients with Marfan syndrome (PMID: 16571647, 17701892).

Literature cited by the submitters: PubMed 31098894; PubMed 10425041; PubMed 16905551; PubMed 19349279; PubMed 16571647; PubMed 17701892.

NM_000138.5(FBN1):c.3385T>C (p.Cys1129Arg)

Gene: FBN1 (fibrillin 1; minus strand). Cytogenetic location: 15q21.1.
Variant type: single nucleotide variant.
Coding change: c.3385T>C on transcript NM_000138.5 (MANE Select); coding-DNA position 3385, T replaced by C.
Protein change: p.Cys1129Arg; replaces cysteine 1129 with arginine.
Molecular consequence: missense variant.
Genome position (GRCh38, 1-based): chr15:48,487,390, A>G on the plus strand (T>C on the coding strand, the complement: FBN1 is on the minus strand). VCF-style: chr15-48487390-A-G. GRCh37 (hg19) VCF-style: chr15-48779587-A-G.
Other names: short protein forms C1129R.
Identifiers: ClinVar variation 855960 (VCV000855960.9), dbSNP rs2043517941, ClinGen allele CA392326561.
Genomic context (GRCh38, chr15:48,487,390, plus strand): 5'-TGGGGGACAGCTGATGGCCAGGCGGGCATTCACAGCGGTAACTTCCCTCTGTGTTATGGC[A>G]AACACCACCTCGGCATAGGAGAGGATCTCTCTGACACTCATCAATATCTGCAAAATGGAA-3'
Protein context (NP_000129.3, residues 1119-1139): RDPLLCRGGV[Cys1129Arg]HNTEGSYRCE